The following is an entry in ClinVar:

NM_005751.5(AKAP9):c.10229C>G (p.Ser3410Cys)

Gene: AKAP9 (A-kinase anchoring protein 9; plus strand). Cytogenetic location: 7q21.2.
Variant type: single nucleotide variant.
Coding change: c.10229C>G on transcript NM_005751.5 (MANE Select); coding-DNA position 10229, C replaced by G.
Protein change: p.Ser3410Cys; replaces serine 3410 with cysteine.
Molecular consequence: missense variant.
Genome position (GRCh38, 1-based): chr7:92,097,188, C>G. VCF-style: chr7-92097188-C-G. GRCh37 (hg19) VCF-style: chr7-91726502-C-G.
Other names: c.4874C>G, p.Ser1625Cys (NM_001379277.1); c.10205C>G, p.Ser3402Cys (NM_147185.3); short protein forms S1625C, S3410C, S3402C.
Identifiers: ClinVar variation 1902520 (VCV001902520.5), dbSNP rs1172115467, ClinGen allele CA368154404.

ClinVar aggregate classification (germline): Uncertain significance (1 of 4 stars; one submission).

Conditions:
Long QT syndrome (LQTS). Identifiers: MedGen C0023976, MeSH D008133, MONDO:0002442. Disease mechanism: loss of function. Inheritance: Various modes of inheritance.

Submission:

Labcorp Genetics (formerly Invitae), Labcorp
Classification: Uncertain significance for Long QT syndrome. Last evaluated: 2022-07-20. Review status: criteria provided, single submitter. Criteria: Invitae Variant Classification Sherloc (09022015). Collection method: clinical testing. Allele origin: germline.
Comment: This sequence change replaces serine, which is neutral and polar, with cysteine, which is neutral and slightly polar, at codon 3410 of the AKAP9 protein (p.Ser3410Cys). This variant is not present in population databases (gnomAD no frequency). This variant has not been reported in the literature in individuals affected with AKAP9-related conditions. Algorithms developed to predict the effect of missense changes on protein structure and function are either unavailable or do not agree on the potential impact of this missense change (SIFT: "Deleterious"; PolyPhen-2: "Probably Damaging"; Align-GVGD: "Class C15"). In summary, the available evidence is currently insufficient to determine the role of this variant in disease. Therefore, it has been classified as a Variant of Uncertain Significance.